The following is an entry in ClinVar:

ClinVar aggregate classification (germline): Uncertain significance (1 of 4 stars; one submission).

Submission:

GeneDx
Classification: Uncertain significance. Last evaluated: 2024-04-26. Review status: criteria provided, single submitter. Criteria: GeneDx Variant Classification Process June 2021. Collection method: clinical testing. Allele origin: germline. Affected: yes.
Comment: Not observed in large population cohorts (gnomAD); In silico analysis supports that this missense variant does not alter protein structure/function; Has not been previously published as pathogenic or benign to our knowledge

NM_057175.5(NAA15):c.947T>A (p.Met316Lys)

Gene: NAA15 (N-alpha-acetyltransferase 15, NatA auxiliary subunit; plus strand). Cytogenetic location: 4q31.1.
Variant type: single nucleotide variant.
Coding change: c.947T>A on transcript NM_057175.5 (MANE Select); coding-DNA position 947, T replaced by A.
Protein change: p.Met316Lys; replaces methionine 316 with lysine.
Molecular consequence: missense variant.
Genome position (GRCh38, 1-based): chr4:139,351,544, T>A. VCF-style: chr4-139351544-T-A. GRCh37 (hg19) VCF-style: chr4-140272698-T-A.
Other names: c.947T>A, p.Met316Lys (NM_001410842.1); short protein forms M316K.
Identifiers: ClinVar variation 3368908 (VCV003368908.1).
Genomic context (GRCh38, chr4:139,351,544, plus strand): 5'-AAAGGATTTTTCTCTTCCAAGGTGAGAAGTTTAAAGAATGTTTGGATAAGTTCCTAAGGA[T>A]GAATTTCAGCAAGGGTTGCCCACCAGTCTTCAATACTTTAAGATCATTATACAAAGACAA-3'
Protein context (NP_476516.1, residues 306-326): FKECLDKFLR[Met316Lys]NFSKGCPPVF